The following is an entry in ClinVar:

NM_004656.4(BAP1):c.1413T>G (p.Ala471=)

Gene: BAP1 (BRCA1 associated deubiquitinase 1; minus strand). Cytogenetic location: 3p21.1.
Variant type: single nucleotide variant.
Coding change: c.1413T>G on transcript NM_004656.4 (MANE Select); coding-DNA position 1413, T replaced by G.
Protein change: p.Ala471=; no amino-acid change (alanine 471 retained).
Molecular consequence: synonymous variant.
Genome position (GRCh38, 1-based): chr3:52,403,732, A>C on the plus strand (T>G on the coding strand, the complement: BAP1 is on the minus strand). VCF-style: chr3-52403732-A-C. GRCh37 (hg19) VCF-style: chr3-52437748-A-C.
Other names: c.1413T>G (LRG_529t1).
Identifiers: ClinVar variation 346118 (VCV000346118.45), dbSNP rs34736117, ClinGen allele CA2436810.
Genomic context (GRCh38, chr3:52,403,732, plus strand): 5'-CTCATTGCTGGGGGTGGGTGAGGGCTGCGAGTGTGTGGGCACTGCCACAGCCGGACTCCC[A>C]GCCCCGCTGCTAGTCTTGATGGACAGAGGAATTGAGAGGTCCTTCTGGGACTCTTTGAGC-3'
Protein context (NP_004647.1, residues 461-481): IPLSIKTSSG[Ala471=]GSPAVAVPTH

ClinVar aggregate classification (germline): Benign. Review status: criteria provided, multiple submitters, no conflicts (2 of 4 stars). 14 submissions from 13 submitters: Benign (12). 2 of the submissions do not count toward it. Last evaluated 2026-02-04.

Conditions:
Melanoma, uveal, susceptibility to, 2 (UVM2). Also called: Melanoma, uveal 2. Identifiers: Orphanet 39044, MedGen C1847723, MONDO:0011696, OMIM 606661.
Hereditary cancer-predisposing syndrome. Also called: Neoplastic Syndromes, Hereditary; Tumor predisposition; Hereditary neoplastic syndrome; Hereditary Cancer Syndrome. Identifiers: Orphanet 140162, MedGen C0027672, MeSH D009386, MONDO:0015356.
BAP1-related tumor predisposition syndrome (TPDS1). Also called: Tumor susceptibility linked to germline BAP1 mutations; BAP1 tumor predisposition syndrome; TUMOR PREDISPOSITION SYNDROME 1; COMMON Syndrome. Identifiers: Orphanet 289539, MedGen C3280492, MONDO:0013692, OMIM 614327.

Allele frequency attached by ClinVar (database versions not stated): gnomAD exomes 0.00199 and 0.00498; ExAC 0.00605; gnomAD 0.01870 and 0.01973; ESP Exome Variant Server 0.01961; TOPMed 0.02186; 1000 Genomes Project 0.02616; 1000 Genomes Project 30x 0.02748.

Submissions (14):

Labcorp Genetics (formerly Invitae), Labcorp
Classification: Benign for BAP1-related tumor predisposition syndrome. Last evaluated: 2026-02-04. Review status: criteria provided, single submitter. Criteria: Invitae Variant Classification Sherloc (09022015). Collection method: clinical testing. Allele origin: germline.

Quest Diagnostics Nichols Institute San Juan Capistrano
Classification: Benign. Last evaluated: 2025-05-14. Review status: criteria provided, single submitter. Criteria: Quest Diagnostics criteria. Collection method: clinical testing. Allele origin: unknown.

ARUP Laboratories, Molecular Genetics and Genomics, ARUP Laboratories
Classification: Benign. Last evaluated: 2025-03-27. Review status: criteria provided, single submitter. Criteria: ARUP Molecular Germline Variant Investigation Process 2024. Collection method: clinical testing. Allele origin: germline.

Center for Genomic Medicine, Rigshospitalet, Copenhagen University Hospital
Classification: Benign. Last evaluated: 2025-03-04. Review status: criteria provided, single submitter. Criteria: ACMG Guidelines, 2015. Collection method: clinical testing. Allele origin: germline.

KCCC/NGS Laboratory, Kuwait Cancer Control Center
Classification: Benign for BAP1-related tumor predisposition syndrome. Last evaluated: 2025-02-01. Review status: criteria provided, single submitter. Criteria: ACMG Guidelines, 2015. Collection method: clinical testing. Allele origin: germline. Affected: no.

Myriad Genetics, Inc.
Classification: Benign for BAP1-related tumor predisposition syndrome. Last evaluated: 2024-07-16. Review status: criteria provided, single submitter. Criteria: Myriad Autosomal Dominant, Autosomal Recessive and X-Linked Classification Criteria (2023). Collection method: clinical testing. Allele origin: unknown.
Comment: This variant is considered benign. This variant is a silent/synonymous amino acid change and it is not expected to impact splicing.

KCCC/NGS Laboratory, Kuwait Cancer Control Center
Classification: Benign for Melanoma, uveal, susceptibility to, 2. Last evaluated: 2023-07-07. Review status: criteria provided, single submitter. Criteria: ACMG Guidelines, 2015. Collection method: clinical testing. Allele origin: germline. Affected: yes.

Department of Pathology and Laboratory Medicine, Sinai Health System
Classification: Benign for BAP1-related tumor predisposition syndrome. Last evaluated: 2022-06-08. Review status: criteria provided, single submitter. Criteria: ACMG Guidelines, 2015. Collection method: clinical testing. Allele origin: germline. Affected: yes.

GeneDx
Classification: Benign. Last evaluated: 2016-04-21. Review status: criteria provided, single submitter. Criteria: GeneDx Variant Classification (06012015). Collection method: clinical testing. Allele origin: germline. Affected: yes.
Comment: This variant is considered likely benign or benign based on one or more of the following criteria: it is a conservative change, it occurs at a poorly conserved position in the protein, it is predicted to be benign by multiple in silico algorithms, and/or has population frequency not consistent with disease.

Color Diagnostics, LLC DBA Color Health
Classification: Benign for Hereditary cancer-predisposing syndrome. Last evaluated: 2016-03-09. Review status: criteria provided, single submitter. Criteria: ACMG Guidelines, 2015. Collection method: clinical testing. Allele origin: germline.

Ambry Genetics
Classification: Benign for Hereditary cancer-predisposing syndrome. Last evaluated: 2015-06-01. Review status: criteria provided, single submitter. Criteria: Ambry Variant Classification Scheme 2023. Collection method: clinical testing. Allele origin: germline.

Breakthrough Genomics
Classification: Benign. Review status: criteria provided, single submitter. Criteria: ACMG Guidelines, 2015. Collection method: not provided. Allele origin: germline. Inheritance: Autosomal dominant inheritance. Affected: yes.

Genome Diagnostics Laboratory, Amsterdam University Medical Center
Classification: Benign. Review status: no assertion criteria provided. Collection method: clinical testing. Allele origin: germline. Affected: yes. Study: VKGL Data-share Consensus. Not counted in ClinVar's aggregate classification.

Joint Genome Diagnostic Labs from Nijmegen and Maastricht, Radboudumc and MUMC+
Classification: Benign. Review status: no assertion criteria provided. Collection method: clinical testing. Allele origin: germline. Affected: yes. Study: VKGL Data-share Consensus. Not counted in ClinVar's aggregate classification.